The following is an entry in ClinVar:

ClinVar aggregate classification (germline): Uncertain significance. Review status: criteria provided, multiple submitters, no conflicts (2 of 4 stars). 2 submissions from 2 submitters: Uncertain significance (2). Last evaluated 2022-05-14.

Conditions:
Hereditary cancer-predisposing syndrome. Also called: Hereditary neoplastic syndrome; Tumor predisposition; Neoplastic Syndromes, Hereditary; Hereditary Cancer Syndrome. Identifiers: Orphanet 140162, MedGen C0027672, MeSH D009386, MONDO:0015356.
Hereditary nonpolyposis colorectal neoplasms. Identifiers: MedGen C0009405, MeSH D003123.

Submissions (2):

Ambry Genetics
Classification: Uncertain significance for Hereditary cancer-predisposing syndrome. Last evaluated: 2022-05-14. Review status: criteria provided, single submitter. Criteria: Ambry Variant Classification Scheme 2023. Collection method: clinical testing. Allele origin: germline.
Comment: The p.K1092Q variant (also known as c.3274A>C), located in coding exon 5 of the MSH6 gene, results from an A to C substitution at nucleotide position 3274. The lysine at codon 1092 is replaced by glutamine, an amino acid with similar properties. This amino acid position is conserved. In addition, this alteration is predicted to be tolerated by in silico analysis. Since supporting evidence is limited at this time, the clinical significance of this alteration remains unclear.

Labcorp Genetics (formerly Invitae), Labcorp
Classification: Uncertain significance for Hereditary nonpolyposis colorectal neoplasms. Last evaluated: 2021-03-06. Review status: criteria provided, single submitter. Criteria: Invitae Variant Classification Sherloc (09022015). Collection method: clinical testing. Allele origin: germline.
Comment: This variant has not been reported in the literature in individuals with MSH6-related conditions. In summary, the available evidence is currently insufficient to determine the role of this variant in disease. Therefore, it has been classified as a Variant of Uncertain Significance. Advanced modeling of protein sequence and biophysical properties (such as structural, functional, and spatial information, amino acid conservation, physicochemical variation, residue mobility, and thermodynamic stability) performed at Invitae indicates that this missense variant is not expected to disrupt MSH6 protein function. This variant is not present in population databases (ExAC no frequency). This sequence change replaces lysine with glutamine at codon 1092 of the MSH6 protein (p.Lys1092Gln). The lysine residue is weakly conserved and there is a small physicochemical difference between lysine and glutamine.

NM_000179.3(MSH6):c.3274A>C (p.Lys1092Gln)

Gene: MSH6 (mutS homolog 6; plus strand). Cytogenetic location: 2p16.3.
Variant type: single nucleotide variant.
Coding change: c.3274A>C on transcript NM_000179.3 (MANE Select); coding-DNA position 3274, A replaced by C.
Protein change: p.Lys1092Gln; replaces lysine 1092 with glutamine.
Molecular consequence: missense variant.
Genome position (GRCh38, 1-based): chr2:47,803,521, A>C. VCF-style: chr2-47803521-A-C. GRCh37 (hg19) VCF-style: chr2-48030660-A-C.
Other names: c.2884A>C, p.Lys962Gln (NM_001281492.2); c.2368A>C, p.Lys790Gln (NM_001281493.2, NM_001281494.2); short protein forms K1092Q, K962Q, K790Q.
Identifiers: ClinVar variation 1348019 (VCV001348019.10), dbSNP rs967439058, ClinGen allele CA346758261.